The following is an entry in ClinVar:

NM_021629.4(GNB4):c.158G>A (p.Gly53Asp)

Gene: GNB4 (G protein subunit beta 4; minus strand). Cytogenetic location: 3q26.33.
Variant type: single nucleotide variant.
Coding change: c.158G>A on transcript NM_021629.4 (MANE Select); coding-DNA position 158, G replaced by A.
Protein change: p.Gly53Asp; replaces glycine 53 with aspartic acid.
Molecular consequence: missense variant.
Genome position (GRCh38, 1-based): chr3:179,419,444, C>T on the plus strand (G>A on the coding strand, the complement: GNB4 is on the minus strand). VCF-style: chr3-179419444-C-T. GRCh37 (hg19) VCF-style: chr3-179137232-C-T.
Other names: short protein forms G53D.
Identifiers: ClinVar variation 41940 (VCV000041940.2), dbSNP rs387907340, ClinGen allele CA130933.

ClinVar aggregate classification (germline): Likely pathogenic. Review status: criteria provided, single submitter (1 of 4 stars). 2 submissions from 2 submitters: Likely pathogenic (1). 1 of the submissions does not count toward it. Last evaluated 2019-11-20.

Conditions:
Charcot-Marie-Tooth disease dominant intermediate F. Identifiers: Orphanet 352670, MedGen C4749463, MONDO:0014074, OMIM 615185.

Allele frequency attached by ClinVar (database versions not stated): gnomAD exomes below 0.00001.
gnomAD v4.1: 1 of 1,613,230 alleles (0.000062%); highest among the groups gnomAD compares: Non-Finnish European, 0.000085%; no homozygotes.

Submissions (2):

Labcorp Genetics (formerly Invitae), Labcorp
Classification: Likely pathogenic for Charcot-Marie-Tooth disease, dominant intermediate F. Last evaluated: 2019-11-20. Review status: criteria provided, single submitter. Criteria: Invitae Variant Classification Sherloc (09022015). Collection method: clinical testing. Allele origin: germline.
Comment: This sequence change replaces glycine with aspartic acid at codon 53 of the GNB4 protein (p.Gly53Asp). The glycine residue is highly conserved and there is a moderate physicochemical difference between glycine and aspartic acid. This variant is not present in population databases (ExAC no frequency). This variant has been observed in individual(s) with Charcot-Marie-Tooth disease (PMID: 23434117). It has also been observed to segregate with disease in related individuals. ClinVar contains an entry for this variant (Variation ID: 41940). This variant has been reported to affect GNB4 protein function (PMID: 23434117). In summary, the currently available evidence indicates that the variant is pathogenic, but additional data are needed to prove that conclusively. Therefore, this variant has been classified as Likely Pathogenic.

OMIM
Classification: Pathogenic for CHARCOT-MARIE-TOOTH DISEASE, DOMINANT INTERMEDIATE F. Last evaluated: 2013-03-07. Review status: no assertion criteria provided. Collection method: literature only. Allele origin: germline. Not counted in ClinVar's aggregate classification.

Literature cited by the submitters: PubMed 23434117 (cited by Labcorp Genetics (formerly Invitae), Labcorp and OMIM).